The following is an entry in ClinVar:

ClinVar aggregate classification (germline): Uncertain significance. Review status: criteria provided, multiple submitters, no conflicts (2 of 4 stars). 2 submissions from 2 submitters: Uncertain significance (2). Last evaluated 2021-11-29.

Conditions:
Long QT syndrome (LQTS). Identifiers: MedGen C0023976, MeSH D008133, MONDO:0002442. Disease mechanism: loss of function. Inheritance: Various modes of inheritance.
Long QT syndrome 11 (LQT11). Identifiers: Orphanet 101016, Orphanet 768, MedGen C2678483, MONDO:0012738, OMIM 611820.

Allele frequency attached by ClinVar (database versions not stated): TOPMed below 0.00001; gnomAD exomes 0.00001.
gnomAD v4.1: 9 of 1,613,990 alleles (0.00056%); highest among the groups gnomAD compares: South Asian, 0.0011%; no homozygotes.

Submissions (2):

Labcorp Genetics (formerly Invitae), Labcorp
Classification: Uncertain significance for Long QT syndrome. Last evaluated: 2021-11-29. Review status: criteria provided, single submitter. Criteria: Invitae Variant Classification Sherloc (09022015). Collection method: clinical testing. Allele origin: germline.
Comment: In summary, the available evidence is currently insufficient to determine the role of this variant in disease. Therefore, it has been classified as a Variant of Uncertain Significance. Algorithms developed to predict the effect of missense changes on protein structure and function output the following: SIFT: "Deleterious"; PolyPhen-2: "Benign"; Align-GVGD: "Class C0". The isoleucine amino acid residue is found in multiple mammalian species, which suggests that this missense change does not adversely affect protein function. This variant has not been reported in the literature in individuals affected with AKAP9-related conditions. This variant is present in population databases (no rsID available, gnomAD 0.002%). This sequence change replaces threonine, which is neutral and polar, with isoleucine, which is neutral and non-polar, at codon 1357 of the AKAP9 protein (p.Thr1357Ile).

Fulgent Genetics
Classification: Uncertain significance for Long QT syndrome 11. Last evaluated: 2021-10-25. Review status: criteria provided, single submitter. Criteria: ACMG Guidelines, 2015. Collection method: clinical testing. Allele origin: unknown.

NM_005751.5(AKAP9):c.4070C>T (p.Thr1357Ile)

Gene: AKAP9 (A-kinase anchoring protein 9; plus strand). Cytogenetic location: 7q21.2.
Variant type: single nucleotide variant.
Coding change: c.4070C>T on transcript NM_005751.5 (MANE Select); coding-DNA position 4070, C replaced by T.
Protein change: p.Thr1357Ile; replaces threonine 1357 with isoleucine.
Molecular consequence: missense variant.
Genome position (GRCh38, 1-based): chr7:92,022,931, C>T. VCF-style: chr7-92022931-C-T. GRCh37 (hg19) VCF-style: chr7-91652245-C-T.
Other names: c.4070C>T, p.Thr1357Ile (NM_147185.3); short protein forms T1357I.
Identifiers: ClinVar variation 1357115 (VCV001357115.7), dbSNP rs1227164653, ClinGen allele CA368127906.